The following is an entry in ClinVar:

NM_021012.5(KCNJ12):c.738G>A (p.Leu246=)

Gene: KCNJ12 (potassium inwardly rectifying channel subfamily J member 12; plus strand). Cytogenetic location: 17p11.2.
Variant type: single nucleotide variant.
Coding change: c.738G>A on transcript NM_021012.5 (MANE Select); coding-DNA position 738, G replaced by A.
Protein change: p.Leu246=; no amino-acid change (leucine 246 retained).
Molecular consequence: synonymous variant.
Genome position (GRCh38, 1-based): chr17:21,416,080, G>A. VCF-style: chr17-21416080-G-A. GRCh37 (hg19) VCF-style: chr17-21319392-G-A.
Identifiers: ClinVar variation 3059958 (VCV003059958.2), dbSNP rs73979899, ClinGen allele CA8451263.

ClinVar aggregate classification (germline): Benign (0 of 4 stars; one submission).

Conditions:
KCNJ12-related disorder. Also called: KCNJ12-related condition.

Allele frequency attached by ClinVar (database versions not stated): ExAC 0.40390; 1000 Genomes Project 30x 0.49984.

Submission:

PreventionGenetics, part of Exact Sciences
Classification: Benign for KCNJ12-related condition. Last evaluated: 2019-10-17. Review status: no assertion criteria provided. Collection method: clinical testing. Allele origin: germline.
Comment: This variant is classified as benign based on ACMG/AMP sequence variant interpretation guidelines (Richards et al. 2015 PMID: 25741868, with internal and published modifications).